The following is an entry in ClinVar:

NM_006035.4(CDC42BPB):c.690+2T>C

Gene: CDC42BPB (CDC42 binding protein kinase beta; minus strand). Cytogenetic location: 14q32.32.
Variant type: single nucleotide variant.
Coding change: c.690+2T>C on transcript NM_006035.4 (MANE Select); the canonical splice donor site of the intron after coding-DNA position 690, T replaced by C.
Molecular consequence: splice donor variant.
Genome position (GRCh38, 1-based): chr14:102,986,485, A>G on the plus strand (T>C on the coding strand, the complement: CDC42BPB is on the minus strand). VCF-style: chr14-102986485-A-G. GRCh37 (hg19) VCF-style: chr14-103452822-A-G.
Other names: c.690+2T>C (NM_001411054.1).
Identifiers: ClinVar variation 4854943 (VCV004854943.1).

ClinVar aggregate classification (germline): Likely pathogenic (1 of 4 stars; one submission).

Conditions:
Chilton-Okur-Chung neurodevelopmental syndrome (CHOCNS). Identifiers: MedGen C5677022, MONDO:0859239, OMIM 619841.

Submission:

3billion
Classification: Likely pathogenic for Chilton-Okur-Chung neurodevelopmental syndrome. Last evaluated: 2025-07-25. Review status: criteria provided, single submitter. Criteria: ACMG Guidelines, 2015. Collection method: clinical testing. Allele origin: germline. Affected: yes.
Comment: The variant is not observed in the gnomAD v4.1.0 dataset. Predicted Consequence/Location: Canonical splice site: predicted to alter splicing and result in a loss or disruption of normal protein function. Multiple pathogenic loss-of-function variants are reported downstream of the variant. In silico tools predict the variant to alter splicing and produce an abnormal transcript [SpliceAI: 0.95 (spliceogenicity >=0.2, non-spliceogenicity <0.1)]. Therefore, this variant is classified as Likely pathogenic according to the recommendation of ACMG/AMP guideline.